The following is an entry in ClinVar:

ClinVar aggregate classification (germline): Benign. Review status: criteria provided, multiple submitters, no conflicts (2 of 4 stars). 2 submissions from 2 submitters: Benign (2). Last evaluated 2011-10-10.

Allele frequency attached by ClinVar (database versions not stated): gnomAD 0.93749 and 0.93280; gnomAD exomes 0.98703; TOPMed 0.92896; 1000 Genomes Project 30x 0.93129; 1000 Genomes Project 0.93610.
gnomAD v4.1: 219,801 of 230,310 alleles (95%); highest among the groups gnomAD compares: East Asian, 100%; 105,713 homozygotes.

Submissions (2):

Laboratory for Molecular Medicine, Mass General Brigham Personalized Medicine
Classification: Benign. Last evaluated: 2011-10-10. Review status: criteria provided, single submitter. Criteria: LMM Criteria. Collection method: clinical testing. Allele origin: germline. Observed: 29 variant alleles.
Comment: This variant is classified as benign based on its high frequency in the general population (rs693441, MAF >3%).

Breakthrough Genomics
Classification: Benign. Review status: criteria provided, single submitter. Criteria: ACMG Guidelines, 2015. Collection method: not provided. Allele origin: germline. Inheritance: Autosomal recessive inheritance. Affected: yes.

NM_003002.4(SDHD):c.*613T>C

Gene: SDHD (succinate dehydrogenase complex subunit D; plus strand). Cytogenetic location: 11q23.1.
Variant type: single nucleotide variant.
Coding change: c.*613T>C on transcript NM_003002.4 (MANE Select); 613 bases downstream of the stop codon, T replaced by C.
Molecular consequence: 3 prime UTR variant. On other transcripts: non-coding transcript variant (1).
Genome position (GRCh38, 1-based): chr11:112,095,583, T>C. VCF-style: chr11-112095583-T-C. GRCh37 (hg19) VCF-style: chr11-111966307-T-C.
Other names: c.*613T>C; c.*690T>C (NM_001276503.2); c.*613T>C (NM_001276504.2); c.*791T>C (NM_001276506.2).
Identifiers: ClinVar variation 44648 (VCV000044648.10), dbSNP rs693441, ClinGen allele CA017081.
Genomic context (GRCh38, chr11:112,095,583, plus strand): 5'-GGAAGAAACGCTTGGAGTGCTTCTGAATATACAGAAGTTCCATTTAAGGGCAAGTTTCCC[T>C]GTAGATGTATCAAAATACTACCAACTGTAAATTGAGATTTAATTCCCAAATGTATTCTAC-3'